The following is an entry in ClinVar:

ClinVar aggregate classification (germline): Uncertain significance (1 of 4 stars; one submission).

Conditions:
Neurodevelopmental disorder with hypotonia, impaired language, and dysmorphic features. Also called: Intellectual disability, autosomal dominant 40. Identifiers: Orphanet 692193, MedGen C5676894, MONDO:0014699, OMIM 616579.

Submission:

Baylor Genetics
Classification: Uncertain significance for Neurodevelopmental disorder with hypotonia, impaired language, and dysmorphic features. Last evaluated: 2018-02-11. Review status: criteria provided, single submitter. Criteria: ACMG Guidelines, 2015. Collection method: clinical testing. Allele origin: unknown. Affected: yes.
Comment: This variant was determined to be of uncertain significance according to ACMG Guidelines, 2015 [PMID:25741868].

NM_032436.4(CHAMP1):c.1351C>T (p.Leu451Phe)

Gene: CHAMP1 (chromosome alignment maintaining phosphoprotein 1; plus strand). Cytogenetic location: 13q34.
Variant type: single nucleotide variant.
Coding change: c.1351C>T on transcript NM_032436.4 (MANE Select); coding-DNA position 1351, C replaced by T.
Protein change: p.Leu451Phe; replaces leucine 451 with phenylalanine.
Molecular consequence: missense variant.
Genome position (GRCh38, 1-based): chr13:114,325,193, C>T. VCF-style: chr13-114325193-C-T. GRCh37 (hg19) VCF-style: chr13-115090668-C-T.
Other names: c.1351C>T, p.Leu451Phe (NM_001164144.3, NM_001164145.3); short protein forms L451F.
Identifiers: ClinVar variation 1031896 (VCV001031896.1), dbSNP rs2087229717, ClinGen allele CA388848494.